The following is an entry in ClinVar:

ClinVar aggregate classification (germline): Uncertain significance (1 of 4 stars; one submission).

Allele frequency attached by ClinVar (database versions not stated): ExAC 0.00002; gnomAD 0.00001; gnomAD exomes 0.00001; TOPMed 0.00002.
gnomAD v4.1: 9 of 1,613,984 alleles (0.00056%); highest among the groups gnomAD compares: South Asian, 0.0022%; no homozygotes.

Submission:

Labcorp Genetics (formerly Invitae), Labcorp
Classification: Uncertain significance. Last evaluated: 2020-03-16. Review status: criteria provided, single submitter. Criteria: Invitae Variant Classification Sherloc (09022015). Collection method: clinical testing. Allele origin: germline.
Comment: This variant is present in population databases (rs758885470, ExAC 0.006%). This variant has not been reported in the literature in individuals with PCARE-related conditions. Algorithms developed to predict the effect of missense changes on protein structure and function (SIFT, PolyPhen-2, Align-GVGD) all suggest that this variant is likely to be tolerated, but these predictions have not been confirmed by published functional studies and their clinical significance is uncertain. In summary, the available evidence is currently insufficient to determine the role of this variant in disease. Therefore, it has been classified as a Variant of Uncertain Significance. This sequence change replaces proline with serine at codon 1205 of the PCARE protein (p.Pro1205Ser). The proline residue is moderately conserved and there is a moderate physicochemical difference between proline and serine.

NM_001029883.3(PCARE):c.3613C>T (p.Pro1205Ser)

Gene: PCARE (photoreceptor cilium actin regulator; minus strand). Cytogenetic location: 2p23.2.
Variant type: single nucleotide variant.
Coding change: c.3613C>T on transcript NM_001029883.3 (MANE Select); coding-DNA position 3613, C replaced by T.
Protein change: p.Pro1205Ser; replaces proline 1205 with serine.
Molecular consequence: missense variant.
Genome position (GRCh38, 1-based): chr2:29,070,649, G>A on the plus strand (C>T on the coding strand, the complement: PCARE is on the minus strand). VCF-style: chr2-29070649-G-A. GRCh37 (hg19) VCF-style: chr2-29293515-G-A.
Other names: short protein forms P1205S.
Identifiers: ClinVar variation 999191 (VCV000999191.7), dbSNP rs758885470, ClinGen allele CA1591881.